The following is an entry in ClinVar:

NM_024844.5(NUP85):c.1270T>G (p.Phe424Val)

Gene: NUP85 (nucleoporin 85; plus strand). Cytogenetic location: 17q25.1.
Variant type: single nucleotide variant.
Coding change: c.1270T>G on transcript NM_024844.5 (MANE Select); coding-DNA position 1270, T replaced by G.
Protein change: p.Phe424Val; replaces phenylalanine 424 with valine.
Molecular consequence: missense variant.
Genome position (GRCh38, 1-based): chr17:75,231,853, T>G. VCF-style: chr17-75231853-T-G. GRCh37 (hg19) VCF-style: chr17-73227948-T-G.
Other names: c.1132T>G, p.Phe378Val (NM_001303276.2); c.1135T>G, p.Phe379Val (NM_001330472.2); short protein forms F424V, F378V, F379V.
Identifiers: ClinVar variation 1508772 (VCV001508772.6), dbSNP rs2145412457, ClinGen allele CA400987707.

ClinVar aggregate classification (germline): Uncertain significance (1 of 4 stars; one submission).

Submission:

Labcorp Genetics (formerly Invitae), Labcorp
Classification: Uncertain significance. Last evaluated: 2021-07-29. Review status: criteria provided, single submitter. Criteria: Invitae Variant Classification Sherloc (09022015). Collection method: clinical testing. Allele origin: germline.
Comment: In summary, the available evidence is currently insufficient to determine the role of this variant in disease. Therefore, it has been classified as a Variant of Uncertain Significance. Algorithms developed to predict the effect of missense changes on protein structure and function (SIFT, PolyPhen-2, Align-GVGD) all suggest that this variant is likely to be tolerated. This variant has not been reported in the literature in individuals affected with NUP85-related conditions. This variant is not present in population databases (ExAC no frequency). This sequence change replaces phenylalanine with valine at codon 424 of the NUP85 protein (p.Phe424Val). The phenylalanine residue is moderately conserved and there is a small physicochemical difference between phenylalanine and valine.